The following is an entry in ClinVar:

NM_004415.4(DSP):c.1123A>G (p.Asn375Asp)

Gene: DSP (desmoplakin; plus strand). Cytogenetic location: 6p24.3.
Variant type: single nucleotide variant.
Coding change: c.1123A>G on transcript NM_004415.4 (MANE Select); coding-DNA position 1123, A replaced by G.
Protein change: p.Asn375Asp; replaces asparagine 375 with aspartic acid.
Molecular consequence: missense variant.
Genome position (GRCh38, 1-based): chr6:7,567,432, A>G. VCF-style: chr6-7567432-A-G. GRCh37 (hg19) VCF-style: chr6-7567665-A-G.
Other names: c.1123A>G, p.Asn375Asp (NM_001008844.3, NM_001319034.2, NM_001406591.1); short protein forms N375D.
Identifiers: ClinVar variation 5035635 (VCV005035635.1).

ClinVar aggregate classification (germline): Uncertain significance (1 of 4 stars; one submission).

Conditions:
Cardiovascular phenotype. Identifiers: MedGen CN230736.

gnomAD v4.1: 1 of 1,614,006 alleles (0.000062%); highest among the groups gnomAD compares: Non-Finnish European, 0.000085%; no homozygotes.

Submission:

Ambry Genetics
Classification: Uncertain significance for Cardiovascular phenotype. Last evaluated: 2026-07-02. Review status: criteria provided, single submitter. Criteria: Ambry Variant Classification Scheme 2023. Collection method: clinical testing. Allele origin: germline.
Comment: The p.N375D variant (also known as c.1123A>G), located in coding exon 9 of the DSP gene, results from an A to G substitution at nucleotide position 1123. The asparagine at codon 375 is replaced by aspartic acid, an amino acid with highly similar properties. This amino acid position is conserved. In addition, this alteration is predicted to be deleterious by in silico analysis. Based on the available evidence, the clinical significance of this variant remains unclear.